The following is an entry in ClinVar:

ClinVar aggregate classification (germline): Conflicting classifications of pathogenicity. Review status: criteria provided, conflicting classifications (1 of 4 stars). 5 submissions from 4 submitters: Likely pathogenic (1); Uncertain significance (3); Benign (1). Last evaluated 2025-10-27.

Conditions:
Immunodeficiency 95 (IMD95). Identifiers: MedGen C5676929, MONDO:0030692, OMIM 619773.
Aicardi-Goutieres syndrome 7 (AGS7). Identifiers: Orphanet 51, MedGen C3888244, MONDO:0014367, OMIM 615846.
Singleton-Merten syndrome 1 (SGMRT1). Also called: Widened medullary cavities of bone, aortic calcification, abnormal dentition, and muscular weakness; Syndrome of widened medullary cavities of the metacarpals and phalanges, aortic calcification and abnormal dentition. Identifiers: Orphanet 85191, MedGen C4225427, MONDO:0024535, OMIM 182250.
IFIH1-related disorder. Also called: IFIH1-related condition.

Allele frequency attached by ClinVar (database versions not stated): ExAC 0.00001; gnomAD exomes 0.00002 and 0.00004; TOPMed 0.00003; gnomAD 0.00005.

Submissions (5):

Labcorp Genetics (formerly Invitae), Labcorp
Classification: Benign for Aicardi-Goutieres syndrome 7; Singleton-Merten syndrome 1. Last evaluated: 2025-10-27. Review status: criteria provided, single submitter. Criteria: Invitae Variant Classification Sherloc (09022015). Collection method: clinical testing. Allele origin: germline.

PreventionGenetics, part of Exact Sciences
Classification: Uncertain significance for IFIH1-related condition. Last evaluated: 2024-12-14. Review status: criteria provided, single submitter. Criteria: ACMG Guidelines, 2015. Collection method: clinical testing. Allele origin: germline.
Comment: The IFIH1 c.1787_1797del11 variant is predicted to result in a frameshift and premature protein termination (p.Lys596Metfs*10). To our knowledge, this variant has not been reported in the literature. This variant is reported in 0.0087% of alleles in individuals of European (Non-Finnish) descent in gnomAD. Loss of function is not an established mechanism of IFIH1-related disease. At this time, the clinical significance of this variant is uncertain due to the absence of conclusive functional and genetic evidence.

AiLife Diagnostics
Classification: Likely pathogenic. Last evaluated: 2022-03-16. Review status: criteria provided, single submitter. Criteria: ACMG Guidelines, 2015. Collection method: clinical testing. Allele origin: germline. Affected: yes. Observed: 1 variant allele.

Center for Genomics, Ann and Robert H. Lurie Children's Hospital of Chicago
Classification: Uncertain significance for Aicardi-Goutieres syndrome 7; Singleton-Merten syndrome 1. Last evaluated: 2018-10-29. Review status: criteria provided, single submitter. Criteria: ACMG Guidelines, 2015. Collection method: clinical testing. Allele origin: germline.
Comment: IFIH1 NM_022168.3 exon 10 p.Lys596Metfs*10 (c.1787_1797del): This variant has not been reported in the literature but is present in 0.008% (11/127154) of European alleles in the Genome Aggregation Database. Evolutionary conservation and computational predictive tools for this variant are limited or unavailable. This variant is a deletion of 11 nucleotides and creates a premature stop codon 10 amino acids downstream from this location which results in an absent or abnormal protein. However, there is insufficient evidence to establish loss of function (LOF) as a known mechanism of disease for this gene. In summary, data on this variant is insufficient for disease classification. Therefore, the clinical significance of this variant is uncertain.

Center for Genomics, Ann and Robert H. Lurie Children's Hospital of Chicago
Classification: Uncertain significance for Immunodeficiency 95; Aicardi-Goutieres syndrome 7; Singleton-Merten syndrome 1. Review status: criteria provided, single submitter. Criteria: ACMG Guidelines, 2015. Collection method: clinical testing. Allele origin: germline.
Comment: the same text as in the submission from Center for Genomics, Ann and Robert H. Lurie Children's Hospital of Chicago above.

NM_022168.4(IFIH1):c.1787_1797del (p.Lys596fs)

Gene: IFIH1 (interferon induced with helicase C domain 1; minus strand). Cytogenetic location: 2q24.2.
Variant type: Deletion.
Coding change: c.1787_1797del on transcript NM_022168.4 (MANE Select); coding-DNA positions 1787 to 1797, 11 bases deleted (AAGAACGTGTT).
Protein change: p.Lys596fs; shifts the reading frame from lysine 596.
Molecular consequence: frameshift variant.
Genome position (GRCh38, 1-based): chr2:162,277,662-162,277,672, AACACGTTCTT deleted on the plus strand (AAGAACGTGTT on the coding strand, the reverse complement: IFIH1 is on the minus strand). VCF-style (leftmost placement, unchanged base first): chr2-162277661-AAACACGTTCTT-A. GRCh37 (hg19) VCF-style: chr2-163134171-AAACACGTTCTT-A.
Other names: c.1787_1797del, p.Lys596fs (LRG_1235t1); c.1787_1797del11 (NM_022168.3); short protein forms K596fs.
Identifiers: ClinVar variation 626112 (VCV000626112.10), dbSNP rs766039450, ClinGen allele CA1934383.